The following is an entry in ClinVar:

ClinVar aggregate classification (germline): Conflicting classifications of pathogenicity. Review status: criteria provided, conflicting classifications (1 of 4 stars). 8 submissions from 8 submitters: Uncertain significance (5); Likely benign (2). 1 of the submissions does not count toward it. Last evaluated 2025-10-21.

Conditions:
Breast-ovarian cancer, familial, susceptibility to, 1 (BROVCA1). Also called: BRCA1 Hereditary Breast and Ovarian Cancer; OVARIAN CANCER, SUSCEPTIBILITY TO. Identifiers: Orphanet 145, MedGen C2676676, MONDO:0011450, OMIM 604370. Disease mechanism: loss of function.
Hereditary breast ovarian cancer syndrome. Also called: Breast and ovarian cancer; Hereditary breast and ovarian cancer; Hereditary breast and ovarian cancer syndrome; Hereditary breast and/or ovarian cancer syndrome; BRCA1- and BRCA2-Associated Hereditary Breast and Ovarian Cancer; Hereditary breast and ovarian cancer syndrome (HBOC). Identifiers: Orphanet 145, MedGen C0677776, MeSH D061325, MONDO:0003582. Disease mechanism: loss of function.
Hereditary cancer-predisposing syndrome. Also called: Tumor predisposition; Hereditary Cancer Syndrome; Neoplastic Syndromes, Hereditary; Hereditary neoplastic syndrome. Identifiers: Orphanet 140162, MedGen C0027672, MeSH D009386, MONDO:0015356.

Allele frequency attached by ClinVar (database versions not stated): TOPMed below 0.00001; gnomAD 0.00001.
gnomAD v4.1: 21 of 1,614,078 alleles (0.0013%); highest among the groups gnomAD compares: Non-Finnish European, 0.00076%; no homozygotes.

Submissions (8):

Ambry Genetics
Classification: Uncertain significance for Hereditary cancer-predisposing syndrome. Last evaluated: 2025-10-21. Review status: criteria provided, single submitter. Criteria: Ambry Variant Classification Scheme 2023. Collection method: clinical testing. Allele origin: germline.
Comment: The p.D1220V variant (also known as c.3659A>T), located in coding exon 9 of the BRCA1 gene, results from an A to T substitution at nucleotide position 3659. The aspartic acid at codon 1220 is replaced by valine, an amino acid with highly dissimilar properties. This amino acid position is well conserved in available vertebrate species. In addition, the in silico prediction for this alteration is inconclusive. Based on the available evidence, the clinical significance of this variant remains unclear.

Labcorp Genetics (formerly Invitae), Labcorp
Classification: Uncertain significance for Hereditary breast ovarian cancer syndrome. Last evaluated: 2025-07-08. Review status: criteria provided, single submitter. Criteria: Invitae Variant Classification Sherloc (09022015). Collection method: clinical testing. Allele origin: germline.
Comment: This sequence change replaces aspartic acid, which is acidic and polar, with valine, which is neutral and non-polar, at codon 1220 of the BRCA1 protein (p.Asp1220Val). This variant is present in population databases (rs766572561, gnomAD 0.006%). This variant has not been reported in the literature in individuals affected with BRCA1-related conditions. ClinVar contains an entry for this variant (Variation ID: 232408). Invitae Evidence Modeling of protein sequence and biophysical properties (such as structural, functional, and spatial information, amino acid conservation, physicochemical variation, residue mobility, and thermodynamic stability) indicates that this missense variant is expected to disrupt BRCA1 protein function with a positive predictive value of 80%. In summary, the available evidence is currently insufficient to determine the role of this variant in disease. Therefore, it has been classified as a Variant of Uncertain Significance.

Center for Genomic Medicine, Rigshospitalet, Copenhagen University Hospital
Classification: Likely benign. Last evaluated: 2025-03-04. Review status: criteria provided, single submitter. Criteria: ACMG Guidelines, 2015. Collection method: clinical testing. Allele origin: germline.

University of Washington Department of Laboratory Medicine, University of Washington
Classification: Likely benign for Hereditary cancer-predisposing syndrome. Last evaluated: 2023-03-23. Review status: criteria provided, single submitter. Criteria: Dines et al. (Genet Med. 2020). Collection method: curation. Allele origin: germline.
Comment: Missense variant in a coldspot region where missense variants are very unlikely to be pathogenic (PMID:31911673).

BRCA1 coldspot (exon 11 using historical exon numbering). Reclassification based on statistical prior probability

Clinical Genetics Laboratory, Skane University Hospital Lund
Classification: Uncertain significance. Last evaluated: 2023-01-20. Review status: criteria provided, single submitter. Criteria: ACMG Guidelines, 2015. Collection method: clinical testing. Allele origin: germline. Affected: yes.

Color Diagnostics, LLC DBA Color Health
Classification: Uncertain significance for Hereditary cancer-predisposing syndrome. Last evaluated: 2022-09-20. Review status: criteria provided, single submitter. Criteria: ACMG Guidelines, 2015. Collection method: clinical testing. Allele origin: germline.
Comment: This missense variant replaces aspartic acid with valine at codon 1220 of the BRCA1 protein. Computational prediction is inconclusive regarding the impact of this variant on protein structure and function (internally defined REVEL score threshold 0.5 < inconclusive < 0.7, PMID: 27666373). To our knowledge, functional studies have not been reported for this variant. In a large breast cancer case-control study, this variant has been observed in 3/60466 cases and 3/53461 unaffected controls (OR=0.884; 95%CI 0.178 to 4.381; p-value=1; Leiden Open Variation Database DB-ID BRCA1_006311)(PMID 33471991). This variant has been identified in 8/282708 chromosomes in the general population by the Genome Aggregation Database (gnomAD). The available evidence is insufficient to determine the role of this variant in disease conclusively. Therefore, this variant is classified as a Variant of Uncertain Significance.

GeneDx
Classification: Uncertain significance. Last evaluated: 2020-06-01. Review status: criteria provided, single submitter. Criteria: GeneDx Variant Classification Process June 2021. Collection method: clinical testing. Allele origin: germline. Affected: yes.
Comment: In silico analysis supports that this missense variant does not alter protein structure/function; Has not been previously published as pathogenic or benign to our knowledge; Also known as 3778A>T

BRCAlab, Lund University
Classification: Uncertain significance for Breast-ovarian cancer, familial, susceptibility to, 1. Last evaluated: 2020-03-02. Review status: no assertion criteria provided. Collection method: clinical testing. Allele origin: germline. Affected: yes. Not counted in ClinVar's aggregate classification.

Literature cited by the submitters: PubMed 33471991 (cited by Color Diagnostics, LLC DBA Color Health).

NM_007294.4(BRCA1):c.3659A>T (p.Asp1220Val)

Genes: BRCA1 (BRCA1 DNA repair associated; minus strand), LOC126862571 (BRD4-independent group 4 enhancer GRCh37_chr17:41243136-41244335; plus strand). Cytogenetic location: 17q21.31.
Variant type: single nucleotide variant.
Coding change: c.3659A>T on transcript NM_007294.4 (MANE Select); coding-DNA position 3659, A replaced by T.
Protein change: p.Asp1220Val; replaces aspartic acid 1220 with valine.
Molecular consequence: missense variant. On other transcripts: intron variant (135).
Genome position (GRCh38, 1-based): chr17:43,091,872, T>A on the plus strand (A>T on the coding strand, the complement: BRCA1 is on the minus strand). VCF-style: chr17-43091872-T-A. GRCh37 (hg19) VCF-style: chr17-41243889-T-A.
Other names: c.3449A>T, p.Asp1150Val (NM_001407907.1, NM_001407908.1, NM_001407909.1 and 13 more transcripts); c.3446A>T, p.Asp1149Val (NM_001407915.1, NM_001407916.1, NM_001407917.1 and 9 more transcripts); c.3536A>T, p.Asp1179Val (NM_001407919.1, NM_001407937.1, NM_001407938.1 and 19 more transcripts); c.3395A>T, p.Asp1132Val (NM_001407920.1, NM_001407921.1, NM_001407922.1 and 9 more transcripts); c.3392A>T, p.Asp1131Val (NM_001407930.1, NM_001407931.1, NM_001407932.1 and 2 more transcripts); c.3533A>T, p.Asp1178Val (NM_001407940.1, NM_001407941.1, NM_001407649.1 and 11 more transcripts); c.3518A>T, p.Asp1173Val (NM_001407942.1, NM_001407944.1, NM_001407945.1 and 29 more transcripts); c.3515A>T, p.Asp1172Val (NM_001407943.1, NM_001407964.1, NM_001407740.1 and 20 more transcripts); and 41 more; short protein forms D1220V, D1173V, D1052V, D1093V, D1109V, D1153V, D1172V, D1178V.
Identifiers: ClinVar variation 232408 (VCV000232408.24), dbSNP rs766572561, ClinGen allele CA059305.
Genomic context (GRCh38, chr17:43,091,872, plus strand): 5'-TGAGAAGGTATATTGTTTACTTTACCAAATAACAAGTGTTGGAAGCAGGGAAGCTCTTCA[T>A]CCTCACTAGATAAGTTCTCTTCTGAGGACTCTAATTTCTTGGCCCCTCTTCGGTAACCCT-3'
Protein context (NP_009225.1, residues 1210-1230): ESSEENLSSE[Asp1220Val]EELPCFQHLL